The following is an entry in ClinVar:

NM_015141.4(GPD1L):c.853-2A>G

Gene: GPD1L (glycerol-3-phosphate dehydrogenase 1 like; plus strand). Cytogenetic location: 3p22.3.
Variant type: single nucleotide variant.
Coding change: c.853-2A>G on transcript NM_015141.4 (MANE Select); the canonical splice acceptor site of the intron before coding-DNA position 853, A replaced by G.
Molecular consequence: splice acceptor variant.
Genome position (GRCh38, 1-based): chr3:32,159,566, A>G. VCF-style: chr3-32159566-A-G. GRCh37 (hg19) VCF-style: chr3-32201058-A-G.
Other names: c.853-2A>G (NM_015141.3).
Identifiers: ClinVar variation 1515725 (VCV001515725.8), dbSNP rs766733448, ClinGen allele CA351969637.

ClinVar aggregate classification (germline): Uncertain significance. Review status: criteria provided, multiple submitters, no conflicts (2 of 4 stars). 3 submissions from 3 submitters: Uncertain significance (3). Last evaluated 2023-01-04.

Conditions:
Cardiovascular phenotype. Identifiers: MedGen CN230736.
Brugada syndrome. Also called: Sudden unexpected nocturnal death syndrome; Sudden Unexplained Death Syndrome; Sudden Unexplained Nocturnal Death Syndrome (SUNDS); Sudden unexplained nocturnal death syndrome. Identifiers: Orphanet 130, MedGen C1142166, MONDO:0015263.
Brugada syndrome 2 (BRGDA2). Identifiers: Orphanet 130, MedGen C2673193, MONDO:0012728, OMIM 611777.

Submissions (3):

Ambry Genetics
Classification: Uncertain significance for Cardiovascular phenotype. Last evaluated: 2023-01-04. Review status: criteria provided, single submitter. Criteria: Ambry Variant Classification Scheme 2023. Collection method: clinical testing. Allele origin: germline.
Comment: The c.853-2A>G intronic variant results from an A to G substitution two nucleotides before coding exon 7 in the GPD1L gene. In silico splice site analysis predicts that this alteration will weaken the native splice acceptor site and will result in the creation or strengthening of a novel splice acceptor site. Alterations that disrupt the canonical splice site are expected to cause aberrant splicing, resulting in an abnormal protein or a transcript that is subject to nonsense-mediated mRNA decay. However, loss of function of GPD1L has not been established as a mechanism of disease. The evidence for this gene-disease relationship is limited; therefore, the clinical significance of this alteration is unclear.

Labcorp Genetics (formerly Invitae), Labcorp
Classification: Uncertain significance for Brugada syndrome. Last evaluated: 2021-11-04. Review status: criteria provided, single submitter. Criteria: Invitae Variant Classification Sherloc (09022015). Collection method: clinical testing. Allele origin: germline.
Comment: In summary, the available evidence is currently insufficient to determine the role of this variant in disease. Therefore, it has been classified as a Variant of Uncertain Significance. Algorithms developed to predict the effect of sequence changes on RNA splicing suggest that this variant may disrupt the consensus splice site. This variant has not been reported in the literature in individuals affected with GPD1L-related conditions. This variant is not present in population databases (gnomAD no frequency). This sequence change affects an acceptor splice site in intron 6 of the GPD1L gene. It is expected to disrupt RNA splicing. Variants that disrupt the donor or acceptor splice site typically lead to a loss of protein function (PMID: 16199547), however the current clinical and genetic evidence is not sufficient to establish whether loss-of-function variants in GPD1L cause disease.

Fulgent Genetics
Classification: Uncertain significance for Brugada syndrome 2. Last evaluated: 2021-09-23. Review status: criteria provided, single submitter. Criteria: ACMG Guidelines, 2015. Collection method: clinical testing. Allele origin: unknown.

Literature cited by the submitters: PubMed 16199547 (cited by Labcorp Genetics (formerly Invitae), Labcorp).